The following is an entry in ClinVar:

ClinVar aggregate classification (germline): Uncertain significance. Review status: criteria provided, multiple submitters, no conflicts (2 of 4 stars). 2 submissions from 2 submitters: Uncertain significance (2). Last evaluated 2025-04-28.

Conditions:
Erythrocytosis, familial, 3 (ECYT3). Identifiers: Orphanet 247511, MedGen C1853286, MONDO:0012353, OMIM 609820.

Allele frequency attached by ClinVar (database versions not stated): gnomAD exomes below 0.00001; TOPMed below 0.00001.
gnomAD v4.1: 1 of 1,613,196 alleles (0.000062%); highest among the groups gnomAD compares: Non-Finnish European, 0.000085%; no homozygotes.

Submissions (2):

Labcorp Genetics (formerly Invitae), Labcorp
Classification: Uncertain significance for Erythrocytosis, familial, 3. Last evaluated: 2025-04-28. Review status: criteria provided, single submitter. Criteria: Invitae Variant Classification Sherloc (09022015). Collection method: clinical testing. Allele origin: germline.
Comment: This sequence change replaces proline, which is neutral and non-polar, with leucine, which is neutral and non-polar, at codon 304 of the EGLN1 protein (p.Pro304Leu). This variant is not present in population databases (gnomAD no frequency). This missense change has been observed in individual(s) with erythrocytosis (PMID: 27034858, 29790589, 37317877). ClinVar contains an entry for this variant (Variation ID: 1765870). An algorithm developed to predict the effect of missense changes on protein structure and function (PolyPhen-2) suggests that this variant is likely to be disruptive. In summary, the available evidence is currently insufficient to determine the role of this variant in disease. Therefore, it has been classified as a Variant of Uncertain Significance.

Ambry Genetics
Classification: Uncertain significance. Last evaluated: 2024-08-22. Review status: criteria provided, single submitter. Criteria: Ambry Variant Classification Scheme 2023. Collection method: clinical testing. Allele origin: germline.
Comment: The p.P304L variant (also known as c.911C>T), located in coding exon 2 of the EGLN1 gene, results from a C to T substitution at nucleotide position 911. The proline at codon 304 is replaced by leucine, an amino acid with similar properties. This alteration has been detected in individuals from erythrocytosis cohorts (Oliveira JL et al. Am. J. Hematol., 2018 May; Wilson R et al. Case Rep Hematol. 2016; 2016: 6373706). This amino acid position is highly conserved in available vertebrate species. In addition, this alteration is predicted to be deleterious by in silico analysis. The evidence for this gene-disease relationship is limited; therefore, the clinical significance of this alteration is unclear.

Literature cited by the submitters: PubMed 27034858 (cited by Labcorp Genetics (formerly Invitae), Labcorp); PubMed 29790589 (cited by Labcorp Genetics (formerly Invitae), Labcorp); PubMed 37317877 (cited by Labcorp Genetics (formerly Invitae), Labcorp).

NM_022051.3(EGLN1):c.911C>T (p.Pro304Leu)

Gene: EGLN1 (egl-9 family hypoxia inducible factor 1; minus strand). Cytogenetic location: 1q42.2.
Variant type: single nucleotide variant.
Coding change: c.911C>T on transcript NM_022051.3 (MANE Select); coding-DNA position 911, C replaced by T.
Protein change: p.Pro304Leu; replaces proline 304 with leucine.
Molecular consequence: missense variant.
Genome position (GRCh38, 1-based): chr1:231,374,080, G>A on the plus strand (C>T on the coding strand, the complement: EGLN1 is on the minus strand). VCF-style: chr1-231374080-G-A. GRCh37 (hg19) VCF-style: chr1-231509826-G-A.
Other names: c.911C>T, p.Pro304Leu (NM_001377260.1, NM_001377261.1); short protein forms P304L.
Identifiers: ClinVar variation 1765870 (VCV001765870.4), dbSNP rs1293106237, ClinGen allele CA345241665.